The following is an entry in ClinVar:

NM_001128227.3(GNE):c.52G>A (p.Glu18Lys)

Gene: GNE (glucosamine (UDP-N-acetyl)-2-epimerase/N-acetylmannosamine kinase; minus strand). Cytogenetic location: 9p13.3.
Variant type: single nucleotide variant.
Coding change: c.52G>A on transcript NM_001128227.3 (MANE Plus Clinical); coding-DNA position 52, G replaced by A.
Protein change: p.Glu18Lys; replaces glutamic acid 18 with lysine.
Molecular consequence: missense variant. On other transcripts: 5 prime UTR variant (3), intron variant (3).
Genome position (GRCh38, 1-based): chr9:36,249,397, C>T on the plus strand (G>A on the coding strand, the complement: GNE is on the minus strand). VCF-style: chr9-36249397-C-T. GRCh37 (hg19) VCF-style: chr9-36249394-C-T.
Other names: c.-42G>A (NM_001190383.3, NM_001374797.1, NM_005476.7); c.-13-2915G>A (NM_001374798.1, NM_001190388.2, NM_001190384.3); short protein forms E18K.
Identifiers: ClinVar variation 2946634 (VCV002946634.3), dbSNP rs2489811801, ClinGen allele CA373422508.

ClinVar aggregate classification (germline): Uncertain significance (1 of 4 stars; one submission).

Conditions:
GNE myopathy (NM). Also called: NONAKA DISTAL MYOPATHY; INCLUSION BODY MYOPATHY, HEREDITARY, AUTOSOMAL RECESSIVE; INCLUSION BODY MYOPATHY 2, AUTOSOMAL RECESSIVE; MYOPATHY, DISTAL, WITH OR WITHOUT RIMMED VACUOLES; IBM 2; Inclusion body myopathy autosomal recessive. Identifiers: Orphanet 602, MedGen C1853926, MONDO:0011603, OMIM 605820.
Sialuria. Also called: SIALURIA, FRENCH TYPE; Sialic Acid Storage Disease. Identifiers: Orphanet 3166, MedGen C0342853, MONDO:0010028, OMIM 269921.

Submission:

Labcorp Genetics (formerly Invitae), Labcorp
Classification: Uncertain significance for Sialuria; GNE myopathy. Last evaluated: 2025-10-21. Review status: criteria provided, single submitter. Criteria: Invitae Variant Classification Sherloc (09022015). Collection method: clinical testing. Allele origin: germline.
Comment: This sequence change replaces glutamic acid, which is acidic and polar, with lysine, which is basic and polar, at codon 18 of the GNE protein (p.Glu18Lys). This variant is not present in population databases (gnomAD no frequency). This variant has not been reported in the literature in individuals affected with GNE-related conditions. ClinVar contains an entry for this variant (Variation ID: 2946634). An algorithm developed to predict the effect of missense changes on protein structure and function (PolyPhen-2) suggests that this variant is likely to be tolerated. In summary, the available evidence is currently insufficient to determine the role of this variant in disease. Therefore, it has been classified as a Variant of Uncertain Significance.